The following is an entry in ClinVar:

NM_000135.4(FANCA):c.1056C>G (p.His352Gln)

Gene: FANCA (FA complementation group A; minus strand). Cytogenetic location: 16q24.3.
Variant type: single nucleotide variant.
Coding change: c.1056C>G on transcript NM_000135.4 (MANE Select); coding-DNA position 1056, C replaced by G.
Protein change: p.His352Gln; replaces histidine 352 with glutamine.
Molecular consequence: missense variant.
Genome position (GRCh38, 1-based): chr16:89,792,498, G>C on the plus strand (C>G on the coding strand, the complement: FANCA is on the minus strand). VCF-style: chr16-89792498-G-C. GRCh37 (hg19) VCF-style: chr16-89858906-G-C.
Other names: c.1056C>G, p.His352Gln (NM_001286167.3); short protein forms H352Q.
Identifiers: ClinVar variation 4870795 (VCV004870795.1).

ClinVar aggregate classification (germline): Uncertain significance (1 of 4 stars; one submission).

Conditions:
Inborn genetic diseases. Identifiers: MedGen C0950123, MeSH D030342.

Submission:

Ambry Genetics
Classification: Uncertain significance for Inborn genetic diseases. Last evaluated: 2026-03-21. Review status: criteria provided, single submitter. Criteria: Ambry Variant Classification Scheme 2023. Collection method: clinical testing. Allele origin: germline.
Comment: The p.H352Q variant (also known as c.1056C>G), located in coding exon 12 of the FANCA gene, results from a C to G substitution at nucleotide position 1056. The histidine at codon 352 is replaced by glutamine, an amino acid with highly similar properties. This amino acid position is conserved. In addition, this alteration is predicted to be tolerated by in silico analysis. Based on the available evidence, the clinical significance of this variant remains unclear.